The following is an entry in ClinVar:

NM_001271049.2(CFAP221):c.2055C>T (p.His685=)

Gene: CFAP221 (cilia and flagella associated protein 221; plus strand). Cytogenetic location: 2q14.2.
Variant type: single nucleotide variant.
Coding change: c.2055C>T on transcript NM_001271049.2 (MANE Select); coding-DNA position 2055, C replaced by T.
Protein change: p.His685=; no amino-acid change (histidine 685 retained).
Molecular consequence: synonymous variant. On other transcripts: non-coding transcript variant (1).
Genome position (GRCh38, 1-based): chr2:119,638,339, C>T. VCF-style: chr2-119638339-C-T. GRCh37 (hg19) VCF-style: chr2-120395915-C-T.
Identifiers: ClinVar variation 5040451 (VCV005040451.1).

ClinVar aggregate classification (germline): Likely benign (1 of 4 stars; one submission).

gnomAD v4.1: 2 of 1,614,108 alleles (0.00012%); highest among the groups gnomAD compares: Admixed American, 0.0017%; no homozygotes.

Submission:

CeGaT Center for Human Genetics Tuebingen
Classification: Likely benign. Last evaluated: 2026-08-01. Review status: criteria provided, single submitter. Criteria: CeGaT Center For Human Genetics Tuebingen Variant Classification Criteria Version 2. Collection method: clinical testing. Allele origin: germline. Affected: yes. Observed: 1 variant allele.
Comment: CFAP221: BP4, BP7